The following is an entry in ClinVar:

NM_001080467.3(MYO5B):c.3238A>G (p.Arg1080Gly)

Gene: MYO5B (myosin VB; minus strand). Cytogenetic location: 18q21.1.
Variant type: single nucleotide variant.
Coding change: c.3238A>G on transcript NM_001080467.3 (MANE Select); coding-DNA position 3238, A replaced by G.
Protein change: p.Arg1080Gly; replaces arginine 1080 with glycine.
Molecular consequence: missense variant.
Genome position (GRCh38, 1-based): chr18:49,878,983, T>C on the plus strand (A>G on the coding strand, the complement: MYO5B is on the minus strand). VCF-style: chr18-49878983-T-C. GRCh37 (hg19) VCF-style: chr18-47405353-T-C.
Other names: short protein forms R1080G.
Identifiers: ClinVar variation 2052023 (VCV002052023.4), dbSNP rs2511259882, ClinGen allele CA402428743.

ClinVar aggregate classification (germline): Uncertain significance (1 of 4 stars; one submission).

Submission:

Labcorp Genetics (formerly Invitae), Labcorp
Classification: Uncertain significance. Last evaluated: 2022-07-12. Review status: criteria provided, single submitter. Criteria: Invitae Variant Classification Sherloc (09022015). Collection method: clinical testing. Allele origin: germline.
Comment: In summary, the available evidence is currently insufficient to determine the role of this variant in disease. Therefore, it has been classified as a Variant of Uncertain Significance. Algorithms developed to predict the effect of missense changes on protein structure and function are either unavailable or do not agree on the potential impact of this missense change (SIFT: "Deleterious"; PolyPhen-2: "Benign"; Align-GVGD: "Class C0"). This variant has not been reported in the literature in individuals affected with MYO5B-related conditions. This variant is not present in population databases (gnomAD no frequency). This sequence change replaces arginine, which is basic and polar, with glycine, which is neutral and non-polar, at codon 1080 of the MYO5B protein (p.Arg1080Gly).